The following is an entry in ClinVar:

ClinVar aggregate classification (germline): Uncertain significance. Review status: criteria provided, multiple submitters, no conflicts (2 of 4 stars). 2 submissions from 2 submitters: Uncertain significance (2). Last evaluated 2026-01-28.

Conditions:
Borjeson-Forssman-Lehmann syndrome (BFLS). Also called: MENTAL RETARDATION, X-LINKED, SYNDROMIC, BORJESON-FORSSMAN-LEHMANN TYPE; MENTAL RETARDATION, EPILEPSY, AND ENDOCRINE DISORDERS; BORJESON SYNDROME. Identifiers: Orphanet 127, MedGen C0265339, MONDO:0010537, OMIM 301900.
PHF6-related disorder. Also called: PHF6-related condition.

Allele frequency attached by ClinVar (database versions not stated): TOPMed below 0.00001; ExAC 0.00001; gnomAD exomes 0.00001; gnomAD 0.00003.
gnomAD v4.1: 12 of 1,196,423 alleles (0.001%); highest among the groups gnomAD compares: Non-Finnish European, 0.0014%; no homozygotes.

Submissions (3):

PreventionGenetics, part of Exact Sciences
Classification: Uncertain significance for PHF6-related condition. Last evaluated: 2026-01-28. Review status: criteria provided, single submitter. Criteria: ACMG Guidelines, 2015. Collection method: clinical testing. Allele origin: germline.
Comment: The PHF6 c.369T>G variant is predicted to result in the amino acid substitution p.Ile123Met. To our knowledge, this variant has not been reported in the literature. This variant is reported in 0.0011% of alleles in individuals of European (Non-Finnish) descent in gnomAD. Although we suspect that this variant may be benign, at this time, the clinical significance of this variant is uncertain due to the absence of conclusive functional and genetic evidence.

Revvity Omics, Revvity
Classification: Uncertain significance for Borjeson-Forssman-Lehmann syndrome. Last evaluated: 2021-07-20. Review status: criteria provided, single submitter. Criteria: ACMG Guidelines, 2015. Collection method: clinical testing. Allele origin: germline.

Dr. Peter K. Rogan Lab, Western University
No classification provided (evidence only). Condition: Ovarian serous cystadenocarcinoma. Review status: no classification provided. Collection method: in vitro. Allele origin: not applicable. Functional consequence: retained intron. Not counted in ClinVar's aggregate classification.

NM_001015877.2(PHF6):c.369T>G (p.Ile123Met)

Gene: PHF6 (PHD finger protein 6; plus strand). Cytogenetic location: Xq26.2.
Variant type: single nucleotide variant.
Coding change: c.369T>G on transcript NM_001015877.2 (MANE Select); coding-DNA position 369, T replaced by G.
Protein change: p.Ile123Met; replaces isoleucine 123 with methionine.
Molecular consequence: missense variant.
Genome position (GRCh38, 1-based): chrX:134,393,629, T>G. VCF-style: chrX-134393629-T-G. GRCh37 (hg19) VCF-style: chrX-133527659-T-G.
Other names: NC_000023.10:g.133527659T>G; c.369T>G, p.Ile123Met (NM_032335.3, NM_032458.3); c.369T>G (NM_032458.2); short protein forms I123M.
Identifiers: ClinVar variation 2434685 (VCV002434685.5), dbSNP rs764747261, ClinGen allele CA10521193.